The following is an entry in ClinVar:

NM_001987.5(ETV6):c.626T>C (p.Ile209Thr)

Gene: ETV6 (ETS variant transcription factor 6; plus strand). Cytogenetic location: 12p13.2.
Variant type: single nucleotide variant.
Coding change: c.626T>C on transcript NM_001987.5 (MANE Select); coding-DNA position 626, T replaced by C.
Protein change: p.Ile209Thr; replaces isoleucine 209 with threonine.
Molecular consequence: missense variant.
Genome position (GRCh38, 1-based): chr12:11,869,586, T>C. VCF-style: chr12-11869586-T-C. GRCh37 (hg19) VCF-style: chr12-12022520-T-C.
Other names: c.623T>C, p.Ile208Thr (NM_001413913.1); c.599T>C, p.Ile200Thr (NM_001413914.1); c.362T>C, p.Ile121Thr (NM_001413915.1); c.626T>C, p.Ile209Thr (NM_001413916.1, NM_001413917.1); short protein forms I121T, I200T, I208T, I209T.
Identifiers: ClinVar variation 4870672 (VCV004870672.1).
Genomic context (GRCh38, chr12:11,869,586, plus strand): 5'-ATCACCGGCCTTCTCCTGACCCCGAGCAGCGGCCCCTCCGGTCCCCCCTGGACAACATGA[T>C]CCGCCGCCTCTCCCCGGCTGAGAGAGCTCAGGGACCCAGGCCGCACCAGGAGAACAACCA-3'
Protein context (NP_001978.1, residues 199-219): RPLRSPLDNM[Ile209Thr]RRLSPAERAQ

ClinVar aggregate classification (germline): Uncertain significance (1 of 4 stars; one submission).

Conditions:
Inborn genetic diseases. Identifiers: MedGen C0950123, MeSH D030342.

Submission:

Ambry Genetics
Classification: Uncertain significance for Inborn genetic diseases. Last evaluated: 2026-05-14. Review status: criteria provided, single submitter. Criteria: Ambry Variant Classification Scheme 2023. Collection method: clinical testing. Allele origin: germline.
Comment: The p.I209T variant (also known as c.626T>C), located in coding exon 5 of the ETV6 gene, results from a T to C substitution at nucleotide position 626. The isoleucine at codon 209 is replaced by threonine, an amino acid with similar properties. This amino acid position is conserved. In addition, this alteration is predicted to be tolerated by in silico analysis. Based on the available evidence, the clinical significance of this variant remains unclear.